The following is an entry in ClinVar:

ClinVar aggregate classification (germline): Uncertain significance. Review status: criteria provided, multiple submitters, no conflicts (2 of 4 stars). 2 submissions from 2 submitters: Uncertain significance (2). Last evaluated 2025-04-21.

Conditions:
Cardiovascular phenotype. Identifiers: MedGen CN230736.

gnomAD v4.1: 3 of 1,586,990 alleles (0.00019%); highest among the groups gnomAD compares: Non-Finnish European, 0.00026%; no homozygotes.

Submissions (2):

Mayo Clinic Laboratories, Mayo Clinic
Classification: Uncertain significance. Last evaluated: 2025-04-21. Review status: criteria provided, single submitter. Criteria: ACMG Guidelines, 2015. Collection method: clinical testing. Allele origin: germline. Observed: 1 variant allele.
Comment: PM2_supporting

Ambry Genetics
Classification: Uncertain significance for Cardiovascular phenotype. Last evaluated: 2025-04-15. Review status: criteria provided, single submitter. Criteria: Ambry Variant Classification Scheme 2023. Collection method: clinical testing. Allele origin: germline.
Comment: The c.448-4A>G intronic variant results from an A to G substitution 4 nucleotides upstream from coding exon 5 in the NEXN gene. This nucleotide position is well conserved in available vertebrate species. In silico splice site analysis predicts that this alteration may weaken the native splice acceptor site and may result in the creation or strengthening of a novel splice acceptor site. Based on the available evidence, the clinical significance of this variant remains unclear.

NM_144573.4(NEXN):c.448-4A>G

Gene: NEXN (nexilin F-actin binding protein; plus strand). Cytogenetic location: 1p31.1.
Variant type: single nucleotide variant.
Coding change: c.448-4A>G on transcript NM_144573.4 (MANE Select); 4 bases into the intron before coding-DNA position 448, A replaced by G.
Molecular consequence: intron variant.
Genome position (GRCh38, 1-based): chr1:77,925,184, A>G. VCF-style: chr1-77925184-A-G. GRCh37 (hg19) VCF-style: chr1-78390869-A-G.
Other names: p.?; c.256-4A>G (NM_001172309.2).
Identifiers: ClinVar variation 3919099 (VCV003919099.2).